The following is an entry in ClinVar:

NM_053025.4(MYLK):c.5605A>G (p.Ile1869Val)

Genes: MYLK-AS1 (MYLK antisense RNA 1; plus strand), MYLK (myosin light chain kinase; minus strand). Cytogenetic location: 3q21.1.
Variant type: single nucleotide variant.
Coding change: c.5605A>G on transcript NM_053025.4 (MANE Select); coding-DNA position 5605, A replaced by G.
Protein change: p.Ile1869Val; replaces isoleucine 1869 with valine.
Molecular consequence: missense variant.
Genome position (GRCh38, 1-based): chr3:123,614,245, T>C on the plus strand (A>G on the coding strand, the complement: MYLK is on the minus strand). VCF-style: chr3-123614245-T-C. GRCh37 (hg19) VCF-style: chr3-123333092-T-C.
Other names: c.5077A>G, p.Ile1693Val (NM_001321309.2); c.5398A>G, p.Ile1800Val (NM_053026.4); c.5452A>G, p.Ile1818Val (NM_053027.4); c.5245A>G, p.Ile1749Val (NM_053028.4); c.322A>G, p.Ile108Val (NM_053031.4); c.325A>G, p.Ile109Val (NM_053032.4); short protein forms I108V, I1693V, I1800V, I1869V, I109V, I1749V, I1818V.
Identifiers: ClinVar variation 1748594 (VCV001748594.2), dbSNP rs552874701, ClinGen allele CA073129.
Genomic context (GRCh38, chr3:123,614,245, plus strand): 5'-CAAGACTGTTGACAGCCTTGCAGGTGTACTTGGCATCGTCATCCCCGCAAACATCACTAA[T>C]AATTAAAGAGCAGTTCCCGTCCTCATCGTAGTCTATCTGGAAGTGGCGGGACTCCCTGAT-3'
Protein context (NP_444253.3, residues 1859-1879): YDEDGNCSLI[Ile1869Val]SDVCGDDDAK

ClinVar aggregate classification (germline): Uncertain significance (1 of 4 stars; one submission).

Conditions:
Familial thoracic aortic aneurysm and aortic dissection (TAAD). Also called: Thoracic aortic aneurysms and dissections. Identifiers: Orphanet 91387, MedGen C4707243, MONDO:0019625.

Allele frequency attached by ClinVar (database versions not stated): gnomAD exomes below 0.00001; TOPMed below 0.00001; ExAC 0.00002; gnomAD 0.00002; 1000 Genomes Project 30x 0.00016; 1000 Genomes Project 0.00020.
gnomAD v4.1: 6 of 1,614,100 alleles (0.00037%); highest among the groups gnomAD compares: African/African-American, 0.0053%; no homozygotes.

Submission:

Ambry Genetics
Classification: Uncertain significance for Familial thoracic aortic aneurysm and aortic dissection. Last evaluated: 2022-04-06. Review status: criteria provided, single submitter. Criteria: Ambry Variant Classification Scheme 2023. Collection method: clinical testing. Allele origin: germline.
Comment: The p.I1869V variant (also known as c.5605A>G), located in coding exon 31 of the MYLK gene, results from an A to G substitution at nucleotide position 5605. The isoleucine at codon 1869 is replaced by valine, an amino acid with highly similar properties. This amino acid position is conserved. In addition, the in silico prediction for this alteration is inconclusive. Since supporting evidence is limited at this time, the clinical significance of this alteration remains unclear.